The following is an entry in ClinVar:

ClinVar aggregate classification (germline): Pathogenic (1 of 4 stars; one submission).

Submission:

GeneDx
Classification: Pathogenic. Last evaluated: 2026-03-16. Review status: criteria provided, single submitter. Criteria: GeneDx Variant Classification Process June 2021. Collection method: clinical testing. Allele origin: germline.
Comment: Nonsense variant predicted to result in protein truncation or nonsense mediated decay in a gene for which loss of function is a known mechanism of disease; Not observed at significant frequency in large population cohorts (gnomAD); Has not been previously published as pathogenic or benign to our knowledge

NM_004187.5(KDM5C):c.2983C>T (p.Gln995Ter)

Gene: KDM5C (lysine demethylase 5C; minus strand). Cytogenetic location: Xp11.22.
Variant type: single nucleotide variant.
Coding change: c.2983C>T on transcript NM_004187.5 (MANE Select); coding-DNA position 2983, C replaced by T.
Protein change: p.Gln995Ter; replaces glutamine 995 with a stop codon.
Molecular consequence: nonsense. On other transcripts: non-coding transcript variant (3).
Genome position (GRCh38, 1-based): chrX:53,196,053, G>A on the plus strand (C>T on the coding strand, the complement: KDM5C is on the minus strand). VCF-style: chrX-53196053-G-A. GRCh37 (hg19) VCF-style: chrX-53225235-G-A.
Other names: c.2782C>T, p.Gln928Ter (NM_001146702.2); c.2980C>T, p.Gln994Ter (NM_001282622.3, NM_001353979.2, NM_001353982.2); c.2983C>T, p.Gln995Ter (NM_001353978.3, NM_001353981.2, NM_001353984.2); short protein forms Q928*, Q994*, Q995*.
Identifiers: ClinVar variation 4976664 (VCV004976664.1).